The following is an entry in ClinVar:

NM_007255.3(B4GALT7):c.952A>G (p.Lys318Glu)

Gene: B4GALT7 (beta-1,4-galactosyltransferase 7; plus strand). Cytogenetic location: 5q35.3.
Variant type: single nucleotide variant.
Coding change: c.952A>G on transcript NM_007255.3 (MANE Select); coding-DNA position 952, A replaced by G.
Protein change: p.Lys318Glu; replaces lysine 318 with glutamic acid.
Molecular consequence: missense variant.
Genome position (GRCh38, 1-based): chr5:177,609,663, A>G. VCF-style: chr5-177609663-A-G. GRCh37 (hg19) VCF-style: chr5-177036664-A-G.
Other names: short protein forms K318E.
Identifiers: ClinVar variation 1371430 (VCV001371430.6), dbSNP rs2127514659, ClinGen allele CA362377721.

ClinVar aggregate classification (germline): Uncertain significance (1 of 4 stars; one submission).

Conditions:
Spondylodysplastic Ehlers-Danlos syndrome. Identifiers: Orphanet 536471, Orphanet 75496, MedGen C5680154, MONDO:0007526.

Submission:

Labcorp Genetics (formerly Invitae), Labcorp
Classification: Uncertain significance for Spondylodysplastic Ehlers-Danlos syndrome. Last evaluated: 2021-08-25. Review status: criteria provided, single submitter. Criteria: Invitae Variant Classification Sherloc (09022015). Collection method: clinical testing. Allele origin: germline.
Comment: This sequence change replaces lysine with glutamic acid at codon 318 of the B4GALT7 protein (p.Lys318Glu). The lysine residue is moderately conserved and there is a small physicochemical difference between lysine and glutamic acid. In summary, the available evidence is currently insufficient to determine the role of this variant in disease. Therefore, it has been classified as a Variant of Uncertain Significance. Algorithms developed to predict the effect of missense changes on protein structure and function (SIFT, PolyPhen-2, Align-GVGD) all suggest that this variant is likely to be tolerated. This variant has not been reported in the literature in individuals affected with B4GALT7-related conditions. This variant is not present in population databases (ExAC no frequency).